The following is an entry in ClinVar:

Conditions:
Arteriohepatic dysplasia. Also called: Alagille Syndrome. Identifiers: Orphanet 52, MedGen C0085280, MeSH D016738, MONDO:0007318.

Submission:

Gilbert/Spinner Lab, Children's Hospital of Philadelphia
No classification provided (evidence only). Condition: Alagille syndrome. Review status: no classification provided. Collection method: research. Allele origin: not applicable. Functional consequence: functionally_abnormal.
ClinVar note: "not provided" was previously submitted as the classification for the variant. However, the classification appeared to be based only on an observation of functional data so it was converted to no classification on 2025-07-30.

NM_000214.3(JAG1):c.785G>T (p.Cys262Phe)

Gene: JAG1 (jagged canonical Notch ligand 1; minus strand). Cytogenetic location: 20p12.2.
Variant type: single nucleotide variant.
Coding change: c.785G>T on transcript NM_000214.3 (MANE Select); coding-DNA position 785, G replaced by T.
Protein change: p.Cys262Phe; replaces cysteine 262 with phenylalanine.
Molecular consequence: missense variant.
Genome position (GRCh38, 1-based): chr20:10,652,569, C>A on the plus strand (G>T on the coding strand, the complement: JAG1 is on the minus strand). VCF-style: chr20-10652569-C-A. GRCh37 (hg19) VCF-style: chr20-10633217-C-A.
Other names: short protein forms C262F.
Identifiers: ClinVar variation 3573095 (VCV003573095.2).